The following is an entry in ClinVar:

NM_000051.4(ATM):c.2054A>G (p.Asn685Ser)

Gene: ATM (ATM serine/threonine kinase; plus strand). Cytogenetic location: 11q22.3.
Variant type: single nucleotide variant.
Coding change: c.2054A>G on transcript NM_000051.4 (MANE Select); coding-DNA position 2054, A replaced by G.
Protein change: p.Asn685Ser; replaces asparagine 685 with serine.
Molecular consequence: missense variant.
Genome position (GRCh38, 1-based): chr11:108,253,969, A>G. VCF-style: chr11-108253969-A-G. GRCh37 (hg19) VCF-style: chr11-108124696-A-G.
Other names: c.2054A>G, p.Asn685Ser (NM_001351834.2); short protein forms N685S.
Identifiers: ClinVar variation 453401 (VCV000453401.14), dbSNP rs1412443702, ClinGen allele CA382537462.

ClinVar aggregate classification (germline): Uncertain significance. Review status: criteria provided, multiple submitters, no conflicts (2 of 4 stars). 2 submissions from 2 submitters: Uncertain significance (2). Last evaluated 2023-02-07.

Conditions:
Hereditary cancer-predisposing syndrome. Also called: Tumor predisposition; Hereditary Cancer Syndrome; Neoplastic Syndromes, Hereditary; Hereditary neoplastic syndrome. Identifiers: Orphanet 140162, MedGen C0027672, MeSH D009386, MONDO:0015356.
Ataxia-telangiectasia syndrome (AT). Also called: Cerebello-oculocutaneous telangiectasia; Immunodeficiency with ataxia telangiectasia; Ataxia-telangiectasia, complementation group D; AT, COMPLEMENTATION GROUP C; Ataxia-telangiectasia, complementation group E; LOUIS-BAR SYNDROME. Identifiers: Orphanet 100, MedGen C0004135, MONDO:0008840, OMIM 208900.

Submissions (2):

Labcorp Genetics (formerly Invitae), Labcorp
Classification: Uncertain significance for Ataxia-telangiectasia syndrome. Last evaluated: 2023-02-07. Review status: criteria provided, single submitter. Criteria: Invitae Variant Classification Sherloc (09022015). Collection method: clinical testing. Allele origin: germline.
Comment: In summary, the available evidence is currently insufficient to determine the role of this variant in disease. Therefore, it has been classified as a Variant of Uncertain Significance. This sequence change replaces asparagine, which is neutral and polar, with serine, which is neutral and polar, at codon 685 of the ATM protein (p.Asn685Ser). This variant is not present in population databases (gnomAD no frequency). This variant has not been reported in the literature in individuals affected with ATM-related conditions. ClinVar contains an entry for this variant (Variation ID: 453401). Algorithms developed to predict the effect of missense changes on protein structure and function output the following: SIFT: "Tolerated"; PolyPhen-2: "Benign"; Align-GVGD: "Class C0". The serine amino acid residue is found in multiple mammalian species, which suggests that this missense change does not adversely affect protein function.

Ambry Genetics
Classification: Uncertain significance for Hereditary cancer-predisposing syndrome. Last evaluated: 2022-11-10. Review status: criteria provided, single submitter. Criteria: Ambry Variant Classification Scheme 2023. Collection method: clinical testing. Allele origin: germline.
Comment: The p.N685S variant (also known as c.2054A>G), located in coding exon 12 of the ATM gene, results from an A to G substitution at nucleotide position 2054. The asparagine at codon 685 is replaced by serine, an amino acid with highly similar properties. This amino acid position is well conserved in available vertebrate species. In addition, this alteration is predicted to be tolerated by in silico analysis. Since supporting evidence is limited at this time, the clinical significance of this alteration remains unclear.